The following is an entry in ClinVar:

NM_006231.4(POLE):c.4551+18C>T

Gene: POLE (DNA polymerase epsilon, catalytic subunit; minus strand). Cytogenetic location: 12q24.33.
Variant type: single nucleotide variant.
Coding change: c.4551+18C>T on transcript NM_006231.4 (MANE Select); 18 bases into the intron after coding-DNA position 4551, C replaced by T.
Molecular consequence: intron variant.
Genome position (GRCh38, 1-based): chr12:132,643,206, G>A on the plus strand (C>T on the coding strand, the complement: POLE is on the minus strand). VCF-style: chr12-132643206-G-A. GRCh37 (hg19) VCF-style: chr12-133219792-G-A.
Identifiers: ClinVar variation 508819 (VCV000508819.16), dbSNP rs747006780, ClinGen allele CA6892806.

ClinVar aggregate classification (germline): Likely benign. Review status: criteria provided, multiple submitters, no conflicts (2 of 4 stars). 4 submissions from 4 submitters: Likely benign (4). Last evaluated 2025-12-28.

Allele frequency attached by ClinVar (database versions not stated): TOPMed 0.00002; gnomAD 0.00003 and 0.00004; gnomAD exomes 0.00007; ExAC 0.00009.
gnomAD v4.1: 72 of 1,608,768 alleles (0.0045%); highest among the groups gnomAD compares: Middle Eastern, 0.099%; no homozygotes.

Submissions (4):

Labcorp Genetics (formerly Invitae), Labcorp
Classification: Likely benign. Last evaluated: 2025-12-28. Review status: criteria provided, single submitter. Criteria: Invitae Variant Classification Sherloc (09022015). Collection method: clinical testing. Allele origin: germline.

Center for Genomic Medicine, Rigshospitalet, Copenhagen University Hospital
Classification: Likely benign. Last evaluated: 2025-03-04. Review status: criteria provided, single submitter. Criteria: ACMG Guidelines, 2015. Collection method: clinical testing. Allele origin: germline.

Blueprint Genetics
Classification: Likely benign. Last evaluated: 2023-05-22. Review status: criteria provided, single submitter. Criteria: ACMG Guidelines, 2015. Collection method: clinical testing. Allele origin: germline.

GeneDx
Classification: Likely benign. Last evaluated: 2017-04-07. Review status: criteria provided, single submitter. Criteria: GeneDx Variant Classification (06012015). Collection method: clinical testing. Allele origin: germline. Affected: yes.
Comment: This variant is considered likely benign or benign based on one or more of the following criteria: it is a conservative change, it occurs at a poorly conserved position in the protein, it is predicted to be benign by multiple in silico algorithms, and/or has population frequency not consistent with disease.